The following is an entry in ClinVar:

NM_001943.5(DSG2):c.938_941delinsAAATGAAGGAGGTTATTTCCTTCATTTGAATTGGCTGGCAAATTTTACATTTGAAATGA (p.Ala313_Ser314delinsGluMetLysGluValIleSerPheIleTer)

Gene: DSG2 (desmoglein 2; plus strand). Cytogenetic location: 18q12.1.
Variant type: Indel.
Coding change: c.938_941delinsAAATGAAGGAGGTTATTTCCTTCATTTGAATTGGCTGGCAAATTTTACATTTGAAATGA on transcript NM_001943.5 (MANE Select); coding-DNA positions 938 to 941, the reference bases replaced by an inserted sequence.
Protein change: p.Ala313_Ser314delinsGluMetLysGluValIleSerPheIleTer.
Molecular consequence: nonsense.
Genome position (GRCh38, 1-based): chr18:31,524,812-31,524,815, 4 bases replaced. GRCh37 (hg19): chr18:29,104,775-29,104,778.
Identifiers: ClinVar variation 3842631 (VCV003842631.1).

ClinVar aggregate classification (germline): Pathogenic (1 of 4 stars; one submission).

Conditions:
Cardiovascular phenotype. Identifiers: MedGen CN230736.

Submission:

Ambry Genetics
Classification: Pathogenic for Cardiovascular phenotype. Last evaluated: 2025-01-09. Review status: criteria provided, single submitter. Criteria: Ambry Variant Classification Scheme 2023. Collection method: clinical testing. Allele origin: germline.
Comment: The c.938_941delCATCinsAAATGAAGGAGGTTATTTCCTTCATTTGAATTGGCTGGCAAATTTTACATTTGAAATGA (p.A313Efs*10) alteration, located in exon 8 (coding exon 8) of the DSG2 gene, consists of an deletion of 4 and insertion of 59 nucleotides causing a translational frameshift at position 938 with a predicted alternate stop codon after 10 amino acids. This alteration is expected to result in loss of function by premature protein truncation or nonsense-mediated mRNA decay. This variant was not reported in population-based cohorts in the Genome Aggregation Database (gnomAD). Based on the available evidence, this alteration is classified as pathogenic.